The following is an entry in ClinVar:

NM_152383.5(DIS3L2):c.2497-11G>T

Gene: DIS3L2 (DIS3 like 3'-5' exoribonuclease 2; plus strand). Cytogenetic location: 2q37.1.
Variant type: single nucleotide variant.
Coding change: c.2497-11G>T on transcript NM_152383.5 (MANE Select); 11 bases into the intron before coding-DNA position 2497, G replaced by T.
Molecular consequence: intron variant. On other transcripts: non-coding transcript variant (1).
Genome position (GRCh38, 1-based): chr2:232,336,458, G>T. VCF-style: chr2-232336458-G-T. GRCh37 (hg19) VCF-style: chr2-233201168-G-T.
Other names: c.1582-6887G>T (NM_001257281.2).
Identifiers: ClinVar variation 2723337 (VCV002723337.3), dbSNP rs747688512, ClinGen allele CA2164602.

ClinVar aggregate classification (germline): Uncertain significance (1 of 4 stars; one submission).

Conditions:
Perlman syndrome (PRLMNS). Identifiers: Orphanet 2849, MedGen C0796113, MONDO:0009965, OMIM 267000.

Allele frequency attached by ClinVar (database versions not stated): gnomAD exomes below 0.00001; ExAC 0.00003.
gnomAD v4.1: 6 of 1,607,412 alleles (0.00037%); highest among the groups gnomAD compares: South Asian, 0.0056%; no homozygotes.

Submission:

Labcorp Genetics (formerly Invitae), Labcorp
Classification: Uncertain significance for Perlman syndrome. Last evaluated: 2022-12-10. Review status: criteria provided, single submitter. Criteria: Invitae Variant Classification Sherloc (09022015). Collection method: clinical testing. Allele origin: germline.
Comment: The frequency data for this variant in the population databases is considered unreliable, as metrics indicate poor data quality at this position in the gnomAD database. In summary, the available evidence is currently insufficient to determine the role of this variant in disease. Therefore, it has been classified as a Variant of Uncertain Significance. Algorithms developed to predict the effect of sequence changes on RNA splicing suggest that this variant may disrupt the consensus splice site. This variant has not been reported in the literature in individuals affected with DIS3L2-related conditions. This sequence change falls in intron 20 of the DIS3L2 gene. It does not directly change the encoded amino acid sequence of the DIS3L2 protein.